The following is an entry in ClinVar:

ClinVar aggregate classification (germline): Uncertain significance (1 of 4 stars; one submission).

Allele frequency attached by ClinVar (database versions not stated): gnomAD exomes 0.00001 and 0.00002.
gnomAD v4.1: 23 of 1,550,396 alleles (0.0015%); highest among the groups gnomAD compares: Non-Finnish European, 0.0018%; no homozygotes.

Submission:

Labcorp Genetics (formerly Invitae), Labcorp
Classification: Uncertain significance. Last evaluated: 2021-06-14. Review status: criteria provided, single submitter. Criteria: Invitae Variant Classification Sherloc (09022015). Collection method: clinical testing. Allele origin: germline.
Comment: This variant has not been reported in the literature in individuals with ZNF469-related conditions. This sequence change replaces leucine with arginine at codon 1370 of the ZNF469 protein (p.Leu1370Arg). The leucine residue is moderately conserved and there is a moderate physicochemical difference between leucine and arginine. This variant is not present in population databases (ExAC no frequency). Algorithms developed to predict the effect of missense changes on protein structure and function are either unavailable or do not agree on the potential impact of this missense change (SIFT: "Deleterious"; PolyPhen-2: "Possibly Damaging"; Align-GVGD: "Class C0"). In summary, the available evidence is currently insufficient to determine the role of this variant in disease. Therefore, it has been classified as a Variant of Uncertain Significance.

NM_001367624.2(ZNF469):c.4193T>G (p.Leu1398Arg)

Gene: ZNF469 (zinc finger protein 469; plus strand). Cytogenetic location: 16q24.2.
Variant type: single nucleotide variant.
Coding change: c.4193T>G on transcript NM_001367624.2 (MANE Select); coding-DNA position 4193, T replaced by G.
Protein change: p.Leu1398Arg; replaces leucine 1398 with arginine.
Molecular consequence: missense variant.
Genome position (GRCh38, 1-based): chr16:88,431,663, T>G. VCF-style: chr16-88431663-T-G. GRCh37 (hg19) VCF-style: chr16-88498071-T-G.
Other names: short protein forms L1398R.
Identifiers: ClinVar variation 1488962 (VCV001488962.8), dbSNP rs1281294858, ClinGen allele CA397090118.